The following is an entry in ClinVar:

ClinVar aggregate classification (germline): Uncertain significance. Review status: criteria provided, multiple submitters, no conflicts (2 of 4 stars). 2 submissions from 2 submitters: Uncertain significance (2). Last evaluated 2025-04-25.

Conditions:
Inborn genetic diseases. Identifiers: MedGen C0950123, MeSH D030342.
Glycine encephalopathy. Also called: Nonketotic hyperglycinemia; Non-ketotic hyperglycinemia. Identifiers: Orphanet 407, MedGen C0751748, MONDO:0011612, HP:0008288.

Allele frequency attached by ClinVar (database versions not stated): gnomAD exomes 0.00001 and 0.00005; TOPMed 0.00002; gnomAD 0.00003 and 0.00004.
gnomAD v4.1: 85 of 1,613,984 alleles (0.0053%); highest among the groups gnomAD compares: Non-Finnish European, 0.0066%; no homozygotes.

Submissions (2):

Ambry Genetics
Classification: Uncertain significance for Inborn genetic diseases. Last evaluated: 2025-04-25. Review status: criteria provided, single submitter. Criteria: Ambry Variant Classification Scheme 2023. Collection method: clinical testing. Allele origin: germline.

Labcorp Genetics (formerly Invitae), Labcorp
Classification: Uncertain significance for Glycine encephalopathy. Last evaluated: 2022-07-23. Review status: criteria provided, single submitter. Criteria: Invitae Variant Classification Sherloc (09022015). Collection method: clinical testing. Allele origin: germline.
Comment: This sequence change replaces leucine, which is neutral and non-polar, with proline, which is neutral and non-polar, at codon 585 of the GLDC protein (p.Leu585Pro). This variant is present in population databases (rs767055450, gnomAD 0.002%). This variant has not been reported in the literature in individuals affected with GLDC-related conditions. ClinVar contains an entry for this variant (Variation ID: 1416489). Advanced modeling of protein sequence and biophysical properties (such as structural, functional, and spatial information, amino acid conservation, physicochemical variation, residue mobility, and thermodynamic stability) performed at Invitae indicates that this missense variant is not expected to disrupt GLDC protein function. In summary, the available evidence is currently insufficient to determine the role of this variant in disease. Therefore, it has been classified as a Variant of Uncertain Significance.

NM_000170.3(GLDC):c.1754T>C (p.Leu585Pro)

Gene: GLDC (glycine decarboxylase; minus strand). Cytogenetic location: 9p24.1.
Variant type: single nucleotide variant.
Coding change: c.1754T>C on transcript NM_000170.3 (MANE Select); coding-DNA position 1754, T replaced by C.
Protein change: p.Leu585Pro; replaces leucine 585 with proline.
Molecular consequence: missense variant.
Genome position (GRCh38, 1-based): chr9:6,587,237, A>G on the plus strand (T>C on the coding strand, the complement: GLDC is on the minus strand). VCF-style: chr9-6587237-A-G. GRCh37 (hg19) VCF-style: chr9-6587237-A-G.
Other names: c.1754T>C (NM_000170.2); short protein forms L585P.
Identifiers: ClinVar variation 1416489 (VCV001416489.4), dbSNP rs767055450, ClinGen allele CA188662392.